The following is an entry in ClinVar:

ClinVar aggregate classification (germline): Likely benign (1 of 4 stars; one submission).

Allele frequency attached by ClinVar (database versions not stated): gnomAD 0.00009; gnomAD exomes 0.00010; ExAC 0.00012; TOPMed 0.00012.

Submission:

CeGaT Center for Human Genetics Tuebingen
Classification: Likely benign. Last evaluated: 2022-12-01. Review status: criteria provided, single submitter. Criteria: CeGaT Center For Human Genetics Tuebingen Variant Classification Criteria Version 2. Collection method: clinical testing. Allele origin: germline. Affected: yes. Observed: 1 variant allele.
Comment: PROSER1: BP4, BP7

NM_025138.5(PROSER1):c.2463A>G (p.Leu821=)

Gene: PROSER1 (proline and serine rich 1; minus strand). Cytogenetic location: 13q13.3.
Variant type: single nucleotide variant.
Coding change: c.2463A>G on transcript NM_025138.5 (MANE Select); coding-DNA position 2463, A replaced by G.
Protein change: p.Leu821=; no amino-acid change (leucine 821 retained).
Molecular consequence: synonymous variant.
Genome position (GRCh38, 1-based): chr13:39,012,789, T>C on the plus strand (A>G on the coding strand, the complement: PROSER1 is on the minus strand). VCF-style: chr13-39012789-T-C. GRCh37 (hg19) VCF-style: chr13-39586926-T-C.
Other names: c.2397A>G, p.Leu799= (NM_170719.4).
Identifiers: ClinVar variation 2643775 (VCV002643775.24), dbSNP rs767070879, ClinGen allele CA6956874.